The following is an entry in ClinVar:

ClinVar aggregate classification (germline): Pathogenic (1 of 4 stars; one submission).

Submission:

Labcorp Genetics (formerly Invitae), Labcorp
Classification: Pathogenic. Last evaluated: 2025-11-03. Review status: criteria provided, single submitter. Criteria: Invitae Variant Classification Sherloc (09022015). Collection method: clinical testing. Allele origin: germline.
Comment: This sequence change creates a premature translational stop signal (p.Phe225Leufs*19) in the TCF12 gene. It is expected to result in an absent or disrupted protein product. Loss-of-function variants in TCF12 are known to be pathogenic (PMID: 23354436, 32620954). This variant is not present in population databases (gnomAD no frequency). This variant has not been reported in the literature in individuals affected with TCF12-related conditions. For these reasons, this variant has been classified as Pathogenic.

Literature cited by the submitters: PubMed 23354436; PubMed 32620954.

NM_207037.2(TCF12):c.675_678del (p.Phe225fs)

Gene: TCF12 (transcription factor 12; plus strand). Cytogenetic location: 15q21.3.
Variant type: Microsatellite.
Coding change: c.675_678del on transcript NM_207037.2 (MANE Select); coding-DNA positions 675 to 678, 4 bases deleted (CTTT; older notation c.675_678delCTTT).
Protein change: p.Phe225fs; shifts the reading frame from phenylalanine 225.
Molecular consequence: frameshift variant.
Genome position (GRCh38, 1-based): chr15:57,231,247-57,231,250, CTTT deleted; deleting any 4 consecutive bases within chr15:57,231,243-57,231,250 gives the same sequence; the c. name uses the placement nearest the transcript's 3' end. VCF-style (leftmost placement, unchanged base first): chr15-57231242-ACTTT-A. GRCh37 (hg19) VCF-style: chr15-57523440-ACTTT-A.
Other names: c.165_168del, p.Phe55fs (NM_001306219.3, NM_207040.2); c.107_110del, p.Ser36fs (NM_001306220.3); c.675_678del, p.Phe225fs (NM_001322151.2, NM_001322152.2, NM_001322157.3 and 7 more transcripts); c.18_21del, p.Phe6fs (NM_001322154.2); c.501_504del, p.Phe167fs (NM_001322156.2, NM_001322158.2); c.711_714del, p.Phe237fs (NM_001322164.2); short protein forms F225fs, F237fs, F6fs, F167fs, F55fs, S36fs.
Identifiers: ClinVar variation 4730414 (VCV004730414.1).